The following is an entry in ClinVar:

ClinVar aggregate classification (germline): Pathogenic. Review status: criteria provided, multiple submitters, no conflicts (2 of 4 stars). 3 submissions from 3 submitters: Pathogenic (3). Last evaluated 2022-11-24.

Conditions:
Duchenne muscular dystrophy (DMD). Also called: Duchenne Muscular Dystrophy (DMD); MUSCULAR DYSTROPHY, PSEUDOHYPERTROPHIC PROGRESSIVE, DUCHENNE TYPE. Identifiers: Orphanet 98896, MedGen C0013264, MONDO:0010679, OMIM 310200.

Submissions (3):

Revvity Omics, Revvity
Classification: Pathogenic. Last evaluated: 2022-11-24. Review status: criteria provided, single submitter. Criteria: ACMG Guidelines, 2015. Collection method: clinical testing. Allele origin: germline.

Labcorp Genetics (formerly Invitae), Labcorp
Classification: Pathogenic for Duchenne muscular dystrophy. Last evaluated: 2021-04-10. Review status: criteria provided, single submitter. Criteria: Invitae Variant Classification Sherloc (09022015). Collection method: clinical testing. Allele origin: germline.
Comment: This sequence change affects a donor splice site in intron 50 of the DMD gene. It is expected to disrupt RNA splicing and likely results in an absent or disrupted protein product. For these reasons, this variant has been classified as Pathogenic. Donor and acceptor splice site variants typically lead to a loss of protein function (PMID: 16199547), and loss-of-function variants in DMD are known to be pathogenic (PMID: 16770791, 25007885). Algorithms developed to predict the effect of sequence changes on RNA splicing suggest that this variant may disrupt the consensus splice site, but this prediction has not been confirmed by published transcriptional studies. This variant has been observed in individual(s) with Duchenne muscular dystrophy (PMID: 9544849, 14695533, 19937601). In at least one individual the variant was observed to be de novo. ClinVar contains an entry for this variant (Variation ID: 94760). This variant has also been reported as IVS50+1G>A. This variant is not present in population databases (ExAC no frequency).

Eurofins Ntd Llc (ga)
Classification: Pathogenic. Last evaluated: 2012-12-06. Review status: criteria provided, single submitter. Criteria: EGL Classification Definitions 2015. Collection method: clinical testing. Allele origin: germline. Observed: 2 variant alleles, 1 heterozygote, 1 homozygote.

Literature cited by the submitters: PubMed 16199547 (cited by Labcorp Genetics (formerly Invitae), Labcorp); PubMed 16770791 (cited by Labcorp Genetics (formerly Invitae), Labcorp); PubMed 25007885 (cited by Labcorp Genetics (formerly Invitae), Labcorp); PubMed 9544849 (cited by Labcorp Genetics (formerly Invitae), Labcorp); PubMed 14695533 (cited by Labcorp Genetics (formerly Invitae), Labcorp); PubMed 19937601 (cited by Labcorp Genetics (formerly Invitae), Labcorp).

NM_004006.3(DMD):c.7309+1G>A

Gene: DMD (dystrophin; minus strand). Cytogenetic location: Xp21.1.
Variant type: single nucleotide variant.
Coding change: c.7309+1G>A on transcript NM_004006.3 (MANE Select); the canonical splice donor site of the intron after coding-DNA position 7309, G replaced by A.
Molecular consequence: splice donor variant.
Genome position (GRCh38, 1-based): chrX:31,819,974, C>T on the plus strand (G>A on the coding strand, the complement: DMD is on the minus strand). VCF-style: chrX-31819974-C-T. GRCh37 (hg19) VCF-style: chrX-31838091-C-T.
Other names: c.7285+1G>A (NM_000109.4); c.3286+1G>A (NM_004011.4); c.3277+1G>A (NM_004012.4); c.-72+1G>A (NM_004023.3, NM_004020.4, NM_004022.3 and 2 more transcripts); c.7297+1G>A (NM_004009.3); c.6940+1G>A (NM_004010.3).
Identifiers: ClinVar variation 94760 (VCV000094760.16), dbSNP rs398124044, ClinGen allele CA267133.
Genomic context (GRCh38, chrX:31,819,974, plus strand): 5'-TCATAGTTGCACTTTTGAACAAATAGCTAGAGCCAAAGAGAATGGGATCCAGTATACTTA[C>T]AGGCTCCAATAGTGGTCAGTCCAGGAGCTAGGTCAGGCTGCTTTGCCCTCAGCTCTTGAA-3'